The following is an entry in ClinVar:

NM_001903.5(CTNNA1):c.818G>A (p.Gly273Glu)

Gene: CTNNA1 (catenin alpha 1; plus strand). Cytogenetic location: 5q31.2.
Variant type: single nucleotide variant.
Coding change: c.818G>A on transcript NM_001903.5 (MANE Select); coding-DNA position 818, G replaced by A.
Protein change: p.Gly273Glu; replaces glycine 273 with glutamic acid.
Molecular consequence: missense variant.
Genome position (GRCh38, 1-based): chr5:138,824,759, G>A. VCF-style: chr5-138824759-G-A. GRCh37 (hg19) VCF-style: chr5-138160448-G-A.
Other names: c.818G>A (NM_001903.2); c.818G>A, p.Gly273Glu (NM_001290307.3, NM_001323982.2, NM_001323983.1 and 3 more transcripts); c.509G>A, p.Gly170Glu (NM_001290309.3); c.449G>A, p.Gly150Glu (NM_001290310.3); short protein forms G150E, G170E, G273E.
Identifiers: ClinVar variation 952717 (VCV000952717.10), dbSNP rs751942119, ClinGen allele CA361130165.

ClinVar aggregate classification (germline): Conflicting classifications of pathogenicity. Review status: criteria provided, conflicting classifications (1 of 4 stars). 2 submissions from 2 submitters: Uncertain significance (1); Likely benign (1). Last evaluated 2025-04-17.

Conditions:
Hereditary cancer-predisposing syndrome. Also called: Tumor predisposition; Hereditary neoplastic syndrome; Neoplastic Syndromes, Hereditary; Hereditary Cancer Syndrome. Identifiers: Orphanet 140162, MedGen C0027672, MeSH D009386, MONDO:0015356.

Submissions (2):

Ambry Genetics
Classification: Likely benign for Hereditary cancer-predisposing syndrome. Last evaluated: 2025-04-17. Review status: criteria provided, single submitter. Criteria: Ambry Variant Classification Scheme 2023. Collection method: clinical testing. Allele origin: germline.

Labcorp Genetics (formerly Invitae), Labcorp
Classification: Uncertain significance. Last evaluated: 2024-03-05. Review status: criteria provided, single submitter. Criteria: Invitae Variant Classification Sherloc (09022015). Collection method: clinical testing. Allele origin: germline.
Comment: This sequence change replaces glycine, which is neutral and non-polar, with glutamic acid, which is acidic and polar, at codon 273 of the CTNNA1 protein (p.Gly273Glu). This variant is not present in population databases (gnomAD no frequency). This variant has not been reported in the literature in individuals affected with CTNNA1-related conditions. ClinVar contains an entry for this variant (Variation ID: 952717). An algorithm developed to predict the effect of missense changes on protein structure and function (PolyPhen-2) suggests that this variant is likely to be tolerated. In summary, the available evidence is currently insufficient to determine the role of this variant in disease. Therefore, it has been classified as a Variant of Uncertain Significance.